The following is an entry in ClinVar:

NM_020738.4(KIDINS220):c.5243A>T (p.Asp1748Val)

Gene: KIDINS220 (kinase D interacting substrate 220; minus strand). Cytogenetic location: 2p25.1.
Variant type: single nucleotide variant.
Coding change: c.5243A>T on transcript NM_020738.4 (MANE Select); coding-DNA position 5243, A replaced by T.
Protein change: p.Asp1748Val; replaces aspartic acid 1748 with valine.
Molecular consequence: missense variant. On other transcripts: intron variant (6).
Genome position (GRCh38, 1-based): chr2:8,730,793, T>A on the plus strand (A>T on the coding strand, the complement: KIDINS220 is on the minus strand). VCF-style: chr2-8730793-T-A. GRCh37 (hg19) VCF-style: chr2-8870923-T-A.
Other names: c.5246A>T, p.Asp1749Val (NM_001348729.2); c.5189A>T, p.Asp1730Val (NM_001348731.2); c.5186A>T, p.Asp1729Val (NM_001348732.2); c.5075A>T, p.Asp1692Val (NM_001348734.2); c.5072A>T, p.Asp1691Val (NM_001348735.2); c.4946A>T, p.Asp1649Val (NM_001348736.2); c.3882+2651A>T (NM_001348741.2, NM_001348742.2, NM_001348743.2); c.3996+2651A>T (NM_001348738.2); and 1 more; short protein forms D1691V, D1730V, D1692V, D1749V, D1649V, D1729V, D1748V.
Identifiers: ClinVar variation 4992207 (VCV004992207.1).
Genomic context (GRCh38, chr2:8,730,793, plus strand): 5'-TCTCTTTCTTCTCCAAAGCCTGTGCTCTCAGAAGAGGCTGCTGCATGGAGCTCCGGAGGA[T>A]CTTTGGAGAGCCTTGTGTAACTTGAACGTTGGCTTCGCTTATGTGTCATGCTTTTTAGAT-3'
Protein context (NP_065789.1, residues 1738-1758): QRSSYTRLSK[Asp1748Val]PPELHAAASS

ClinVar aggregate classification (germline): Uncertain significance (1 of 4 stars; one submission).

Conditions:
KIDINS220-related disorder. Also called: KIDINS220-related condition.

Submission:

PreventionGenetics, part of Exact Sciences
Classification: Uncertain significance for KIDINS220-related condition. Last evaluated: 2025-08-22. Review status: criteria provided, single submitter. Criteria: ACMG Guidelines, 2015. Collection method: clinical testing. Allele origin: germline.
Comment: The KIDINS220 c.5243A>T variant is predicted to result in the amino acid substitution p.Asp1748Val. To our knowledge, this variant has not been reported in the literature or in a large population database (gnomAD), indicating this variant is rare. At this time, the clinical significance of this variant is uncertain due to the absence of conclusive functional and genetic evidence.